The following is an entry in ClinVar:

NC_000021.8:g.(?_46308588)_(46310157_?)del

Gene: ITGB2 (integrin subunit beta 2; minus strand). Cytogenetic location: 21q22.3.
Variant type: Deletion.
Identifiers: ClinVar variation 3248149 (VCV003248149.1).

ClinVar aggregate classification (germline): Pathogenic (1 of 4 stars; one submission).

Conditions:
Leukocyte adhesion deficiency 1 (LAD1). Also called: LEUKOCYTE ADHESION DEFICIENCY, TYPE I; LAD 1; Lymphocyte function-associated antigen 1 immunodeficiency; LFA 1 immunodeficiency. Identifiers: Orphanet 2968, Orphanet 99842, MedGen C0398738, MONDO:0007293, OMIM 116920.

Submission:

Labcorp Genetics (formerly Invitae), Labcorp
Classification: Pathogenic for Leukocyte adhesion deficiency 1. Last evaluated: 2023-08-27. Review status: criteria provided, single submitter. Criteria: Invitae Variant Classification Sherloc (09022015). Collection method: clinical testing. Allele origin: unknown.
Comment: For these reasons, this variant has been classified as Pathogenic. This variant has not been reported in the literature in individuals affected with ITGB2-related conditions. This variant is a gross deletion of the genomic region encompassing exon(s) 12-14 of the ITGB2 gene. This deletion is out-of-frame, and is expected to create a premature termination codon and result in an absent or disrupted protein product. Loss-of-function variants in ITGB2 are known to be pathogenic (PMID: 22134107, 25703682).

Literature cited by the submitters: PubMed 22134107; PubMed 25703682.